The following is an entry in ClinVar:

ClinVar aggregate classification (germline): Uncertain significance (1 of 4 stars; one submission).

Conditions:
Emery-Dreifuss muscular dystrophy 5, autosomal dominant (EDMD5). Also called: EMERY-DREIFUSS MUSCULAR DYSTROPHY 5. Identifiers: Orphanet 261, MedGen C2751805, MONDO:0013072, OMIM 612999.

Allele frequency attached by ClinVar (database versions not stated): TOPMed below 0.00001; gnomAD 0.00001; gnomAD exomes 0.00001.
gnomAD v4.1: 23 of 1,613,856 alleles (0.0014%); highest among the groups gnomAD compares: Non-Finnish European, 0.0019%; no homozygotes.

Submission:

Labcorp Genetics (formerly Invitae), Labcorp
Classification: Uncertain significance for Emery-Dreifuss muscular dystrophy 5, autosomal dominant. Last evaluated: 2023-07-26. Review status: criteria provided, single submitter. Criteria: Invitae Variant Classification Sherloc (09022015). Collection method: clinical testing. Allele origin: germline.
Comment: In summary, the available evidence is currently insufficient to determine the role of this variant in disease. Therefore, it has been classified as a Variant of Uncertain Significance. An algorithm developed to predict the effect of missense changes on protein structure and function (PolyPhen-2) suggests that this variant is likely to be disruptive. This variant has not been reported in the literature in individuals affected with SYNE2-related conditions. This variant is present in population databases (no rsID available, gnomAD 0.0009%). This sequence change replaces serine, which is neutral and polar, with arginine, which is basic and polar, at codon 5303 of the SYNE2 protein (p.Ser5303Arg).

NM_182914.3(SYNE2):c.15909C>A (p.Ser5303Arg)

Gene: SYNE2 (spectrin repeat containing nuclear envelope protein 2; plus strand). Cytogenetic location: 14q23.2.
Variant type: single nucleotide variant.
Coding change: c.15909C>A on transcript NM_182914.3 (MANE Select); coding-DNA position 15909, C replaced by A.
Protein change: p.Ser5303Arg; replaces serine 5303 with arginine.
Molecular consequence: missense variant.
Genome position (GRCh38, 1-based): chr14:64,158,741, C>A. VCF-style: chr14-64158741-C-A. GRCh37 (hg19) VCF-style: chr14-64625459-C-A.
Other names: c.15909C>A, p.Ser5303Arg (NM_015180.6); short protein forms S5303R.
Identifiers: ClinVar variation 3023485 (VCV003023485.2), dbSNP rs907014099, ClinGen allele CA261825304.